The following is an entry in ClinVar:

ClinVar aggregate classification (germline): Conflicting classifications of pathogenicity. Review status: criteria provided, conflicting classifications (1 of 4 stars). 3 submissions from 2 submitters: Uncertain significance (2); Likely benign (1). Last evaluated 2026-02-24.

Conditions:
Inclusion body myopathy with Paget disease of bone and frontotemporal dementia type 1. Also called: Inclusion body myopathy with early-onset Paget disease and frontotemporal dementia 1; MULTISYSTEM PROTEINOPATHY 1; Inclusion body myopathy with early-onset Paget disease with or without frontotemporal dementia 1. Identifiers: MedGen C4551951, MONDO:0008178, OMIM 167320.
VCP-related disorder. Also called: VCP-related disorders; VCP-related condition.
Frontotemporal dementia and/or amyotrophic lateral sclerosis 6 (FTDALS6). Also called: VCP-Related Amyotrophic Lateral Sclerosis; VCP-Related Amyotrophic Lateral Sclerosis/Frontotemporal Dementia. Identifiers: Orphanet 275872, Orphanet 803, MedGen C5436279, MONDO:0013501, OMIM 613954.

Allele frequency attached by ClinVar (database versions not stated): gnomAD 0.00005; TOPMed 0.00008; gnomAD exomes 0.00002.

Submissions (3):

PreventionGenetics, part of Exact Sciences
Classification: Likely benign for VCP-related condition. Last evaluated: 2026-02-24. Review status: criteria provided, single submitter. Criteria: ACMG Guidelines, 2015. Collection method: clinical testing. Allele origin: germline.
Comment: This variant is classified as likely benign based on ACMG/AMP sequence variant interpretation guidelines (Richards et al. 2015 PMID: 25741868, with internal and published modifications).

Illumina Laboratory Services, Illumina
Classification: Uncertain significance for Frontotemporal dementia and/or amyotrophic lateral sclerosis 6. Last evaluated: 2018-01-13. Review status: criteria provided, single submitter. Criteria: ICSL Variant Classification Criteria 13 December 2019. Collection method: clinical testing. Allele origin: germline.

Illumina Laboratory Services, Illumina
Classification: Uncertain significance for Inclusion body myopathy with Paget disease of bone and frontotemporal dementia type 1. Last evaluated: 2018-01-13. Review status: criteria provided, single submitter. Criteria: ICSL Variant Classification Criteria 13 December 2019. Collection method: clinical testing. Allele origin: germline.

NM_007126.3(VCP):c.-370G>A

Gene: VCP (valosin containing protein; minus strand). Cytogenetic location: 9p13.3.
Variant type: single nucleotide variant.
Coding change: c.-370G>A on transcript NM_007126.3; 370 bases upstream of the start codon, G replaced by A.
Genome position (GRCh38, 1-based): chr9:35,072,723, C>T on the plus strand (G>A on the coding strand, the complement: VCP is on the minus strand). VCF-style: chr9-35072723-C-T. GRCh37 (hg19) VCF-style: chr9-35072720-C-T.
Identifiers: ClinVar variation 366727 (VCV000366727.8), dbSNP rs886063895, ClinGen allele CA10633613.